The following is an entry in ClinVar:

NM_006231.4(POLE):c.46G>A (p.Asp16Asn)

Genes: POLE (DNA polymerase epsilon, catalytic subunit; minus strand), LOC130009266 (ATAC-STARR-seq lymphoblastoid silent region 5123; plus strand). Cytogenetic location: 12q24.33.
Variant type: single nucleotide variant.
Coding change: c.46G>A on transcript NM_006231.4 (MANE Select); coding-DNA position 46, G replaced by A.
Protein change: p.Asp16Asn; replaces aspartic acid 16 with asparagine.
Molecular consequence: missense variant.
Genome position (GRCh38, 1-based): chr12:132,687,270, C>T on the plus strand (G>A on the coding strand, the complement: POLE is on the minus strand). VCF-style: chr12-132687270-C-T. GRCh37 (hg19) VCF-style: chr12-133263856-C-T.
Other names: short protein forms D16N.
Identifiers: ClinVar variation 540618 (VCV000540618.9), dbSNP rs1241114520, ClinGen allele CA387373365.
Genomic context (GRCh38, chr12:132,687,270, plus strand): 5'-CCTCCGGAGGGCCGGCCCGAGAGCCTCAGGAGGGCGCCCCTCACCTGCTGGCCTCGCCAT[C>T]CGCGCCTGGGTCCGCGCGCCGCCGCCCGCCGCTCCTCAGAGACATGGAGCCGTTGGCTAC-3'
Protein context (NP_006222.2, residues 6-26): GGRRRADPGA[Asp16Asn]GEASRDDGAT

ClinVar aggregate classification (germline): Uncertain significance (1 of 4 stars; one submission).

Allele frequency attached by ClinVar (database versions not stated): gnomAD exomes below 0.00001.
gnomAD v4.1: 1 of 1,501,624 alleles (0.000067%); highest among the groups gnomAD compares: South Asian, 0.0012%; no homozygotes.

Submission:

Labcorp Genetics (formerly Invitae), Labcorp
Classification: Uncertain significance. Last evaluated: 2024-11-04. Review status: criteria provided, single submitter. Criteria: Invitae Variant Classification Sherloc (09022015). Collection method: clinical testing. Allele origin: germline.
Comment: This sequence change replaces aspartic acid, which is acidic and polar, with asparagine, which is neutral and polar, at codon 16 of the POLE protein (p.Asp16Asn). This variant is not present in population databases (gnomAD no frequency). This variant has not been reported in the literature in individuals affected with POLE-related conditions. ClinVar contains an entry for this variant (Variation ID: 540618). An algorithm developed to predict the effect of missense changes on protein structure and function (PolyPhen-2) suggests that this variant is likely to be tolerated. In summary, the available evidence is currently insufficient to determine the role of this variant in disease. Therefore, it has been classified as a Variant of Uncertain Significance.